The following is an entry in ClinVar:

NM_001330574.2(ZNF711):c.829G>A (p.Ala277Thr)

Gene: ZNF711 (ZFX family zinc finger ZNF711; plus strand). Cytogenetic location: Xq21.1.
Variant type: single nucleotide variant.
Coding change: c.829G>A on transcript NM_001330574.2 (MANE Select); coding-DNA position 829, G replaced by A.
Protein change: p.Ala277Thr; replaces alanine 277 with threonine.
Molecular consequence: missense variant.
Genome position (GRCh38, 1-based): chrX:85,265,168, G>A. VCF-style: chrX-85265168-G-A. GRCh37 (hg19) VCF-style: chrX-84520174-G-A.
Other names: c.829G>A, p.Ala277Thr (NM_021998.5); short protein forms A277T.
Identifiers: ClinVar variation 212693 (VCV000212693.18), dbSNP rs145361311, ClinGen allele CA208731.
Genomic context (GRCh38, chrX:85,265,168, plus strand): 5'-AATTTTTAAGGTGGAACAGAAATTGTCACAGAGAGTGAGTACACCAGTGGACATTCAGTA[G>A]CTGGAGTGCTTGACCAGAGCCGAATGCAGCGGGAGAAGATGGTTTACATGGCAGTTAAAG-3'
Protein context (NP_001317503.1, residues 267-287): ESEYTSGHSV[Ala277Thr]GVLDQSRMQR

ClinVar aggregate classification (germline): Benign/Likely benign. Review status: criteria provided, multiple submitters, no conflicts (2 of 4 stars). 4 submissions from 4 submitters: Benign (2); Likely benign (2). Last evaluated 2025-03-01.

Conditions:
Intellectual developmental disorder, X-linked 97. Also called: Intellectual disability, X-linked 97. Identifiers: Orphanet 777, MedGen C2749020, MONDO:0010430, OMIM 300803.

Allele frequency attached by ClinVar (database versions not stated): gnomAD exomes 0.00010 and 0.00037; ExAC 0.00042; 1000 Genomes Project 30x 0.00083; 1000 Genomes Project 0.00106; gnomAD 0.00112 and 0.00123; TOPMed 0.00139; ESP Exome Variant Server 0.00180.
gnomAD v4.1: 240 of 1,205,732 alleles (0.02%); highest among the groups gnomAD compares: African/African-American, 0.39%; 1 homozygote.

Submissions (4):

CeGaT Center for Human Genetics Tuebingen
Classification: Likely benign. Last evaluated: 2025-03-01. Review status: criteria provided, single submitter. Criteria: CeGaT Center For Human Genetics Tuebingen Variant Classification Criteria Version 2. Collection method: clinical testing. Allele origin: germline. Affected: yes. Observed: 1 variant allele.
Comment: ZNF711: BP4, BS2

Laboratorio de Genetica e Diagnostico Molecular, Hospital Israelita Albert Einstein
Classification: Benign. Last evaluated: 2021-12-30. Review status: criteria provided, single submitter. Criteria: ACMG Guidelines, 2015. Collection method: clinical testing. Allele origin: germline. Affected: yes.
Comment: ACMG classification criteria: BS1, BS2, BP4

Genetic Services Laboratory, University of Chicago
Classification: Likely benign. Last evaluated: 2018-12-24. Review status: criteria provided, single submitter. Criteria: ACMG Guidelines, 2015. Collection method: clinical testing. Allele origin: germline. Affected: no.

Illumina Laboratory Services, Illumina
Classification: Benign for Intellectual developmental disorder, X-linked 97. Last evaluated: 2018-01-13. Review status: criteria provided, single submitter. Criteria: ICSL Variant Classification Criteria 13 December 2019. Collection method: clinical testing. Allele origin: germline.
Comment: This variant was observed in the ICSL laboratory as part of a predisposition screen in an ostensibly healthy population. It had not been previously curated by ICSL or reported in the Human Gene Mutation Database (HGMD: prior to June 1st, 2018), and was therefore a candidate for classification through an automated scoring system. Utilizing variant allele frequency, disease prevalence and penetrance estimates, and inheritance mode, an automated score was calculated to assess if this variant is too frequent to cause the disease. Based on the score and internal cut-off values, a variant classified as benign is not then subjected to further curation. The score for this variant resulted in a classification of benign for this disease.